The following is an entry in ClinVar:

NM_033305.3(VPS13A):c.8823C>A (p.Tyr2941Ter)

Gene: VPS13A (vacuolar protein sorting 13 homolog A; plus strand). Cytogenetic location: 9q21.2.
Variant type: single nucleotide variant.
Coding change: c.8823C>A on transcript NM_033305.3 (MANE Select); coding-DNA position 8823, C replaced by A.
Protein change: p.Tyr2941Ter; replaces tyrosine 2941 with a stop codon.
Molecular consequence: nonsense.
Genome position (GRCh38, 1-based): chr9:77,370,494, C>A. VCF-style: chr9-77370494-C-A. GRCh37 (hg19) VCF-style: chr9-79985410-C-A.
Other names: c.8706C>A, p.Tyr2902Ter (NM_001018037.2); c.8823C>A, p.Tyr2941Ter (NM_001018038.3, NM_015186.4); short protein forms Y2902*, Y2941*.
Identifiers: ClinVar variation 3597704 (VCV003597704.2).

ClinVar aggregate classification (germline): Pathogenic/Likely pathogenic. Review status: criteria provided, multiple submitters, no conflicts (2 of 4 stars). 2 submissions from 2 submitters: Pathogenic (1); Likely pathogenic (1). Last evaluated 2024-04-05.

Conditions:
VPS13A-related neurodegenerative disease. Also called: ACANTHOCYTOSIS WITH NEUROLOGIC DISORDER; Choreoacanthocytosis; Chorea-acanthocytosis; LEVINE-CRITCHLEY SYNDROME; VPS13A Disease; Choreaacanthocytosis. Identifiers: Orphanet 2388, MedGen C0393576, MONDO:0008695, OMIM 200150.

Submissions (2):

Fulgent Genetics
Classification: Likely pathogenic for VPS13A-related neurodegenerative disease. Last evaluated: 2024-04-05. Review status: criteria provided, single submitter. Criteria: ACMG Guidelines, 2015. Collection method: clinical testing. Allele origin: germline.

Myriad Genetics, Inc.
Classification: Pathogenic for VPS13A-related neurodegenerative disease. Last evaluated: 2024-03-01. Review status: criteria provided, single submitter. Criteria: Myriad Autosomal Dominant, Autosomal Recessive and X-Linked Classification Criteria (2023). Collection method: clinical testing. Allele origin: unknown.
Comment: NM_033305.2(VPS13A):c.8823C>A(Y2941*) is expected to be pathogenic in the context of VPS13A disease. This variant is predicted to lead to an abnormal or absent protein product due to the creation of a premature termination codon in VPS13A, a gene where loss-of-function variants are known to be pathogenic. Please note: this variant was assessed in the context of healthy population screening.